The following is an entry in ClinVar:

NM_001102564.3(IFT43):c.322G>A (p.Glu108Lys)

Gene: IFT43 (intraflagellar transport 43; plus strand). Cytogenetic location: 14q24.3.
Variant type: single nucleotide variant.
Coding change: c.322G>A on transcript NM_001102564.3 (MANE Select); coding-DNA position 322, G replaced by A.
Protein change: p.Glu108Lys; replaces glutamic acid 108 with lysine.
Molecular consequence: missense variant. On other transcripts: non-coding transcript variant (2).
Genome position (GRCh38, 1-based): chr14:76,082,321, G>A. VCF-style: chr14-76082321-G-A. GRCh37 (hg19) VCF-style: chr14-76548664-G-A.
Other names: c.337G>A, p.Glu113Lys (NM_052873.3); short protein forms E108K, E113K.
Identifiers: ClinVar variation 1481131 (VCV001481131.6), dbSNP rs776120367, ClinGen allele CA263708207.

ClinVar aggregate classification (germline): Uncertain significance. Review status: criteria provided, multiple submitters, no conflicts (2 of 4 stars). 2 submissions from 2 submitters: Uncertain significance (2). Last evaluated 2024-01-02.

Conditions:
Short-rib thoracic dysplasia 18 with polydactyly. Identifiers: MedGen C4693420, MONDO:0036483, OMIM 617866.
Retinitis pigmentosa 81 (RP81). Identifiers: MedGen C4693443, MONDO:0036482, OMIM 617871.
Cranioectodermal dysplasia 3 (CED3). Identifiers: Orphanet 1515, MedGen C3279807, MONDO:0013573, OMIM 614099.

Allele frequency attached by ClinVar (database versions not stated): gnomAD exomes below 0.00001 and 0.00001; TOPMed 0.00003.
gnomAD v4.1: 20 of 1,614,008 alleles (0.0012%); highest among the groups gnomAD compares: Non-Finnish European, 0.0015%; no homozygotes.

Submissions (2):

Labcorp Genetics (formerly Invitae), Labcorp
Classification: Uncertain significance. Last evaluated: 2024-01-02. Review status: criteria provided, single submitter. Criteria: Invitae Variant Classification Sherloc (09022015). Collection method: clinical testing. Allele origin: germline.
Comment: This sequence change replaces glutamic acid, which is acidic and polar, with lysine, which is basic and polar, at codon 113 of the IFT43 protein (p.Glu113Lys). This variant is present in population databases (rs776120367, gnomAD 0.007%). This variant has not been reported in the literature in individuals affected with IFT43-related conditions. ClinVar contains an entry for this variant (Variation ID: 1481131). An algorithm developed to predict the effect of missense changes on protein structure and function (PolyPhen-2) suggests that this variant is likely to be disruptive. In summary, the available evidence is currently insufficient to determine the role of this variant in disease. Therefore, it has been classified as a Variant of Uncertain Significance.

Fulgent Genetics
Classification: Uncertain significance for Cranioectodermal dysplasia 3; Short-rib thoracic dysplasia 18 with polydactyly; Retinitis pigmentosa 81. Last evaluated: 2022-03-09. Review status: criteria provided, single submitter. Criteria: ACMG Guidelines, 2015. Collection method: clinical testing. Allele origin: unknown.